The following is an entry in ClinVar:

NM_001099287.2(NIPAL4):c.702C>G (p.Ile234Met)

Gene: NIPAL4 (NIPA like domain containing 4; plus strand). Cytogenetic location: 5q33.3.
Variant type: single nucleotide variant.
Coding change: c.702C>G on transcript NM_001099287.2 (MANE Select); coding-DNA position 702, C replaced by G.
Protein change: p.Ile234Met; replaces isoleucine 234 with methionine.
Molecular consequence: missense variant.
Genome position (GRCh38, 1-based): chr5:157,472,447, C>G. VCF-style: chr5-157472447-C-G. GRCh37 (hg19) VCF-style: chr5-156899455-C-G.
Other names: c.645C>G, p.Ile215Met (NM_001172292.2); c.888C>G (NM_001099287.1); short protein forms I234M, I215M.
Identifiers: ClinVar variation 2705843 (VCV002705843.3), dbSNP rs372405072, ClinGen allele CA3534717.

ClinVar aggregate classification (germline): Uncertain significance. Review status: criteria provided, multiple submitters, no conflicts (2 of 4 stars). 2 submissions from 2 submitters: Uncertain significance (2). Last evaluated 2024-05-30.

Conditions:
Inborn genetic diseases. Identifiers: MedGen C0950123, MeSH D030342.

Allele frequency attached by ClinVar (database versions not stated): ExAC 0.00007; ESP Exome Variant Server 0.00016; 1000 Genomes Project 30x 0.00031; 1000 Genomes Project 0.00040.
gnomAD v4.1: 95 of 1,613,860 alleles (0.0059%); highest among the groups gnomAD compares: African/African-American, 0.11%; no homozygotes.

Submissions (2):

Ambry Genetics
Classification: Uncertain significance for Inborn genetic diseases. Last evaluated: 2024-05-30. Review status: criteria provided, single submitter. Criteria: Ambry Variant Classification Scheme 2023. Collection method: clinical testing. Allele origin: germline.

Labcorp Genetics (formerly Invitae), Labcorp
Classification: Uncertain significance. Last evaluated: 2023-04-09. Review status: criteria provided, single submitter. Criteria: Invitae Variant Classification Sherloc (09022015). Collection method: clinical testing. Allele origin: germline.
Comment: This variant has not been reported in the literature in individuals affected with NIPAL4-related conditions. This sequence change replaces isoleucine, which is neutral and non-polar, with methionine, which is neutral and non-polar, at codon 296 of the NIPAL4 protein (p.Ile296Met). This variant is present in population databases (rs372405072, gnomAD 0.1%). Advanced modeling of protein sequence and biophysical properties (such as structural, functional, and spatial information, amino acid conservation, physicochemical variation, residue mobility, and thermodynamic stability) performed at Invitae indicates that this missense variant is not expected to disrupt NIPAL4 protein function. In summary, the available evidence is currently insufficient to determine the role of this variant in disease. Therefore, it has been classified as a Variant of Uncertain Significance.